The following is an entry in ClinVar:

NM_000051.4(ATM):c.1060C>T (p.His354Tyr)

Gene: ATM (ATM serine/threonine kinase; plus strand). Cytogenetic location: 11q22.3.
Variant type: single nucleotide variant.
Coding change: c.1060C>T on transcript NM_000051.4 (MANE Select); coding-DNA position 1060, C replaced by T.
Protein change: p.His354Tyr; replaces histidine 354 with tyrosine.
Molecular consequence: missense variant.
Genome position (GRCh38, 1-based): chr11:108,247,122, C>T. VCF-style: chr11-108247122-C-T. GRCh37 (hg19) VCF-style: chr11-108117849-C-T.
Other names: c.1060C>T, p.His354Tyr (NM_001351834.2); short protein forms H354Y.
Identifiers: ClinVar variation 950587 (VCV000950587.15), dbSNP rs2079892237, ClinGen allele CA382531836.

ClinVar aggregate classification (germline): Conflicting classifications of pathogenicity. Review status: criteria provided, conflicting classifications (1 of 4 stars). 3 submissions from 3 submitters: Uncertain significance (2); Likely benign (1). Last evaluated 2025-11-06.

Conditions:
Hereditary cancer-predisposing syndrome. Also called: Hereditary neoplastic syndrome; Tumor predisposition; Neoplastic Syndromes, Hereditary; Hereditary Cancer Syndrome. Identifiers: Orphanet 140162, MedGen C0027672, MeSH D009386, MONDO:0015356.
Ataxia-telangiectasia syndrome (AT). Also called: LOUIS-BAR SYNDROME; Ataxia telangiectasia (A-T); Cerebello-oculocutaneous telangiectasia; Immunodeficiency with ataxia telangiectasia; ATAXIA-TELANGIECTASIA, COMPLEMENTATION GROUP A; ATAXIA-TELANGIECTASIA, FRESNO VARIANT. Identifiers: Orphanet 100, MedGen C0004135, MONDO:0008840, OMIM 208900.

Allele frequency attached by ClinVar (database versions not stated): TOPMed below 0.00001.

Submissions (3):

Ambry Genetics
Classification: Likely benign for Hereditary cancer-predisposing syndrome. Last evaluated: 2025-11-06. Review status: criteria provided, single submitter. Criteria: Ambry Variant Classification Scheme 2023. Collection method: clinical testing. Allele origin: germline.

Labcorp Genetics (formerly Invitae), Labcorp
Classification: Uncertain significance for Ataxia-telangiectasia syndrome. Last evaluated: 2024-11-02. Review status: criteria provided, single submitter. Criteria: Invitae Variant Classification Sherloc (09022015). Collection method: clinical testing. Allele origin: germline.
Comment: This sequence change replaces histidine, which is basic and polar, with tyrosine, which is neutral and polar, at codon 354 of the ATM protein (p.His354Tyr). This variant is not present in population databases (gnomAD no frequency). This variant has not been reported in the literature in individuals affected with ATM-related conditions. ClinVar contains an entry for this variant (Variation ID: 950587). Invitae Evidence Modeling of protein sequence and biophysical properties (such as structural, functional, and spatial information, amino acid conservation, physicochemical variation, residue mobility, and thermodynamic stability) indicates that this missense variant is not expected to disrupt ATM protein function with a negative predictive value of 95%. In summary, the available evidence is currently insufficient to determine the role of this variant in disease. Therefore, it has been classified as a Variant of Uncertain Significance.

Color Diagnostics, LLC DBA Color Health
Classification: Uncertain significance for Hereditary cancer-predisposing syndrome. Last evaluated: 2022-04-27. Review status: criteria provided, single submitter. Criteria: ACMG Guidelines, 2015. Collection method: clinical testing. Allele origin: germline.
Comment: This missense variant replaces histidine with tyrosine at codon 354 of the ATM protein. Computational prediction suggests that this variant may not impact protein structure and function (internally defined REVEL score threshold <= 0.5, PMID: 27666373). To our knowledge, functional studies have not been reported for this variant. This variant has not been reported in individuals affected with hereditary cancer in the literature. This variant has not been identified in the general population by the Genome Aggregation Database (gnomAD). The available evidence is insufficient to determine the role of this variant in disease conclusively. Therefore, this variant is classified as a Variant of Uncertain Significance.

Literature cited by the submitters: PubMed 40580951 (cited by Ambry Genetics).